The following is an entry in ClinVar:

ClinVar aggregate classification (germline): Uncertain significance (1 of 4 stars; one submission).

Allele frequency attached by ClinVar (database versions not stated): gnomAD exomes below 0.00001.
gnomAD v4.1: 2 of 1,206,146 alleles (0.00017%); highest among the groups gnomAD compares: Non-Finnish European, 0.00022%; no homozygotes.

Submission:

Labcorp Genetics (formerly Invitae), Labcorp
Classification: Uncertain significance. Last evaluated: 2024-05-09. Review status: criteria provided, single submitter. Criteria: Invitae Variant Classification Sherloc (09022015). Collection method: clinical testing. Allele origin: germline.
Comment: This sequence change replaces methionine, which is neutral and non-polar, with threonine, which is neutral and polar, at codon 22 of the SMPX protein (p.Met22Thr). This variant is not present in population databases (gnomAD no frequency). This missense change has been observed in individual(s) with deafness (PMID: 35580552). ClinVar contains an entry for this variant (Variation ID: 2004898). An algorithm developed to predict the effect of missense changes on protein structure and function (PolyPhen-2) suggests that this variant is likely to be disruptive. In summary, the available evidence is currently insufficient to determine the role of this variant in disease. Therefore, it has been classified as a Variant of Uncertain Significance.

Literature cited by the submitters: PubMed 35580552.

NM_014332.3(SMPX):c.65T>C (p.Met22Thr)

Gene: SMPX (small muscle protein X-linked; minus strand). Cytogenetic location: Xp22.12.
Variant type: single nucleotide variant.
Coding change: c.65T>C on transcript NM_014332.3 (MANE Select); coding-DNA position 65, T replaced by C.
Protein change: p.Met22Thr; replaces methionine 22 with threonine.
Molecular consequence: missense variant. On other transcripts: non-coding transcript variant (1).
Genome position (GRCh38, 1-based): chrX:21,743,817, A>G on the plus strand (T>C on the coding strand, the complement: SMPX is on the minus strand). VCF-style: chrX-21743817-A-G. GRCh37 (hg19) VCF-style: chrX-21761935-A-G.
Other names: short protein forms M22T.
Identifiers: ClinVar variation 2004898 (VCV002004898.4), dbSNP rs2092818724, ClinGen allele CA412562820.